The following is an entry in ClinVar:

NM_205768.3(ZBTB18):c.887C>G (p.Thr296Ser)

Gene: ZBTB18 (zinc finger and BTB domain containing 18; plus strand). Cytogenetic location: 1q44.
Variant type: single nucleotide variant.
Coding change: c.887C>G on transcript NM_205768.3 (MANE Select); coding-DNA position 887, C replaced by G.
Protein change: p.Thr296Ser; replaces threonine 296 with serine.
Molecular consequence: missense variant. On other transcripts: 3 prime UTR variant (1).
Genome position (GRCh38, 1-based): chr1:244,054,661, C>G. VCF-style: chr1-244054661-C-G. GRCh37 (hg19) VCF-style: chr1-244217963-C-G.
Other names: c.860C>G, p.Thr287Ser (NM_001278196.2, NM_006352.5); c.*64C>G (NM_001421566.1); short protein forms T287S, T296S.
Identifiers: ClinVar variation 4991559 (VCV004991559.1).

ClinVar aggregate classification (germline): Uncertain significance (1 of 4 stars; one submission).

Conditions:
ZBTB18-related disorder. Also called: ZBTB18-related condition.

gnomAD v4.1: 1 of 1,614,212 alleles (0.000062%); highest among the groups gnomAD compares: Non-Finnish European, 0.000085%; no homozygotes.

Submission:

PreventionGenetics, part of Exact Sciences
Classification: Uncertain significance for ZBTB18-related condition. Last evaluated: 2026-02-07. Review status: criteria provided, single submitter. Criteria: ACMG Guidelines, 2015. Collection method: clinical testing. Allele origin: germline.
Comment: The ZBTB18 c.887C>G variant is predicted to result in the amino acid substitution p.Thr296Ser. To our knowledge, this variant has not been reported in the literature or in a large population database (gnomAD), indicating this variant is rare. At this time, the clinical significance of this variant is uncertain due to the absence of conclusive functional and genetic evidence.